The following is an entry in ClinVar:

NM_000179.3(MSH6):c.627+6A>T

Gene: MSH6 (mutS homolog 6; plus strand). Cytogenetic location: 2p16.3.
Variant type: single nucleotide variant.
Coding change: c.627+6A>T on transcript NM_000179.3 (MANE Select); 6 bases into the intron after coding-DNA position 627, A replaced by T.
Molecular consequence: intron variant.
Genome position (GRCh38, 1-based): chr2:47,796,069, A>T. VCF-style: chr2-47796069-A-T. GRCh37 (hg19) VCF-style: chr2-48023208-A-T.
Other names: c.627+6A>T (NM_000179.2); c.-279-2542A>T (NM_001281493.2); c.238-2542A>T (NM_001281492.2); c.-276+6A>T (NM_001281494.2).
Identifiers: ClinVar variation 1061040 (VCV001061040.10), dbSNP rs1572716556, ClinGen allele CA2499216092.

ClinVar aggregate classification (germline): Conflicting classifications of pathogenicity. Review status: criteria provided, conflicting classifications (1 of 4 stars). 4 submissions from 4 submitters: Uncertain significance (2); Likely benign (2). Last evaluated 2025-03-27.

Conditions:
Hereditary nonpolyposis colorectal neoplasms. Identifiers: MedGen C0009405, MeSH D003123.
Lynch syndrome 5 (LYNCH5). Also called: Hereditary non-polyposis colorectal cancer, type 5; Colorectal cancer, hereditary nonpolyposis, type 5. Identifiers: Orphanet 144, MedGen C1833477, MONDO:0013710, OMIM 614350. Disease mechanism: loss of function.

Submissions (4):

Quest Diagnostics Nichols Institute San Juan Capistrano
Classification: Uncertain significance. Last evaluated: 2025-03-27. Review status: criteria provided, single submitter. Criteria: Quest Diagnostics criteria. Collection method: clinical testing. Allele origin: unknown.
Comment: The MSH6 c.627+6A>T variant has not been reported in individuals with MSH6-related conditions in the published literature. It also has not been reported in large, multi-ethnic general populations (Genome Aggregation Database). Analysis of this variant using software algorithms for the prediction of the effect of nucleotide changes on splicing yielded predictions that this variant does not affect MSH6 mRNA splicing. Based on the available information, we are unable to determine the clinical significance of this variant.

Myriad Genetics, Inc.
Classification: Likely benign for Lynch syndrome 5. Last evaluated: 2024-12-19. Review status: criteria provided, single submitter. Criteria: Myriad Autosomal Dominant, Autosomal Recessive and X-Linked Classification Criteria (2023). Collection method: clinical testing. Allele origin: unknown.
Comment: This variant is considered likely benign. This variant is intronic and is not expected to impact mRNA splicing.

Blueprint Genetics
Classification: Likely benign. Last evaluated: 2024-09-02. Review status: criteria provided, single submitter. Criteria: ACMG Guidelines, 2015. Collection method: clinical testing. Allele origin: germline.

Labcorp Genetics (formerly Invitae), Labcorp
Classification: Uncertain significance for Hereditary nonpolyposis colorectal neoplasms. Last evaluated: 2020-10-16. Review status: criteria provided, single submitter. Criteria: Invitae Variant Classification Sherloc (09022015). Collection method: clinical testing. Allele origin: germline.
Comment: Nucleotide substitutions within the consensus splice site are a relatively common cause of aberrant splicing (PMID: 17576681, 9536098). Algorithms developed to predict the effect of sequence changes on RNA splicing suggest that this variant is not likely to affect RNA splicing, but this prediction has not been confirmed by published transcriptional studies. This variant has not been reported in the literature in individuals with MSH6-related conditions. In summary, the available evidence is currently insufficient to determine the role of this variant in disease. Therefore, it has been classified as a Variant of Uncertain Significance. This variant is not present in population databases (ExAC no frequency). This sequence change falls in intron 3 of the MSH6 gene. It does not directly change the encoded amino acid sequence of the MSH6 protein. It affects a nucleotide within the consensus splice site of the intron.

Literature cited by the submitters: PubMed 17576681 (cited by Labcorp Genetics (formerly Invitae), Labcorp); PubMed 9536098 (cited by Labcorp Genetics (formerly Invitae), Labcorp).